The following is an entry in ClinVar:

NM_183075.3(CYP2U1):c.244C>T (p.Arg82Trp)

Genes: CYP2U1 (cytochrome P450 family 2 subfamily U member 1; plus strand), CYP2U1-AS1 (CYP2U1 and SGMS2 antisense RNA 1; minus strand). Cytogenetic location: 4q25.
Variant type: single nucleotide variant.
Coding change: c.244C>T on transcript NM_183075.3 (MANE Select); coding-DNA position 244, C replaced by T.
Protein change: p.Arg82Trp; replaces arginine 82 with tryptophan.
Molecular consequence: missense variant.
Genome position (GRCh38, 1-based): chr4:107,931,887, C>T. VCF-style: chr4-107931887-C-T. GRCh37 (hg19) VCF-style: chr4-108853043-C-T.
Other names: short protein forms R82W.
Identifiers: ClinVar variation 1347686 (VCV001347686.6), dbSNP rs1476927058, ClinGen allele CA357832078.

ClinVar aggregate classification (germline): Uncertain significance (1 of 4 stars; one submission).

Conditions:
Spastic paraplegia. Identifiers: MedGen C0037772, HP:0001258.

Allele frequency attached by ClinVar (database versions not stated): gnomAD exomes below 0.00001.
gnomAD v4.1: 7 of 1,548,970 alleles (0.00045%); highest among the groups gnomAD compares: Non-Finnish European, 0.00026%; no homozygotes.

Submission:

Labcorp Genetics (formerly Invitae), Labcorp
Classification: Uncertain significance for Spastic paraplegia. Last evaluated: 2024-11-01. Review status: criteria provided, single submitter. Criteria: Invitae Variant Classification Sherloc (09022015). Collection method: clinical testing. Allele origin: germline.
Comment: This sequence change replaces arginine, which is basic and polar, with tryptophan, which is neutral and slightly polar, at codon 82 of the CYP2U1 protein (p.Arg82Trp). This variant is not present in population databases (gnomAD no frequency). This variant has not been reported in the literature in individuals affected with CYP2U1-related conditions. ClinVar contains an entry for this variant (Variation ID: 1347686). Invitae Evidence Modeling of protein sequence and biophysical properties (such as structural, functional, and spatial information, amino acid conservation, physicochemical variation, residue mobility, and thermodynamic stability) indicates that this missense variant is not expected to disrupt CYP2U1 protein function with a negative predictive value of 95%. In summary, the available evidence is currently insufficient to determine the role of this variant in disease. Therefore, it has been classified as a Variant of Uncertain Significance.